The following is an entry in ClinVar:

ClinVar aggregate classification (germline): Likely benign (1 of 4 stars; one submission).

Allele frequency attached by ClinVar (database versions not stated): ExAC 0.00006; ESP Exome Variant Server 0.00023.
gnomAD v4.1: 54 of 1,613,376 alleles (0.0033%); highest among the groups gnomAD compares: African/African-American, 0.061%; no homozygotes.

Submission:

CeGaT Center for Human Genetics Tuebingen
Classification: Likely benign. Last evaluated: 2022-05-01. Review status: criteria provided, single submitter. Criteria: CeGaT Center For Human Genetics Tuebingen Variant Classification Criteria Version 2. Collection method: clinical testing. Allele origin: germline. Affected: yes. Observed: 2 variant alleles.
Comment: MCF2L: BP4, BP7

NM_001112732.3(MCF2L):c.1674C>T (p.Gly558=)

Gene: MCF2L (MCF.2 cell line derived transforming sequence like; plus strand). Cytogenetic location: 13q34.
Variant type: single nucleotide variant.
Coding change: c.1674C>T on transcript NM_001112732.3 (MANE Select); coding-DNA position 1674, C replaced by T.
Protein change: p.Gly558=; no amino-acid change (glycine 558 retained).
Molecular consequence: synonymous variant.
Genome position (GRCh38, 1-based): chr13:113,078,376, C>T. VCF-style: chr13-113078376-C-T. GRCh37 (hg19) VCF-style: chr13-113732690-C-T.
Other names: c.1668C>T, p.Gly556= (NM_001320815.2, NM_001320817.2, NM_024979.5); c.1686C>T, p.Gly562= (NM_001320816.2); c.1587C>T, p.Gly529= (NM_001366644.2); c.1560C>T, p.Gly520= (NM_001366645.2, NM_001366646.2).
Identifiers: ClinVar variation 2643976 (VCV002643976.24), dbSNP rs139596233, ClinGen allele CA7058940.